The following is an entry in ClinVar:

NM_000138.5(FBN1):c.33G>C (p.Leu11=)

Gene: FBN1 (fibrillin 1; minus strand). Cytogenetic location: 15q21.1.
Variant type: single nucleotide variant.
Coding change: c.33G>C on transcript NM_000138.5 (MANE Select); coding-DNA position 33, G replaced by C.
Protein change: p.Leu11=; no amino-acid change (leucine 11 retained).
Molecular consequence: synonymous variant.
Genome position (GRCh38, 1-based): chr15:48,644,737, C>G on the plus strand (G>C on the coding strand, the complement: FBN1 is on the minus strand). VCF-style: chr15-48644737-C-G. GRCh37 (hg19) VCF-style: chr15-48936934-C-G.
Other names: c.33G>C, p.Leu11= (NM_001406716.1, NM_001406717.1, NM_001406718.1).
Identifiers: ClinVar variation 2926727 (VCV002926727.6), dbSNP rs1164486664, ClinGen allele CA490090857.
Genomic context (GRCh38, chr15:48,644,737, plus strand): 5'-AGCCTCCAAATTGGCGTCCGCCCCATGGCTCGTGTAGGACGCTAAAAGCACGGTAAATCC[C>G]AGGGCGATCTCCAGCAGACGCCCTCGACGCATGATGCCGAGCCGCCACCGGCTCCCGCCG-3'
Protein context (NP_000129.3, residues 1-21): MRRGRLLEIA[Leu11=]GFTVLLASYT

ClinVar aggregate classification (germline): Benign/Likely benign. Review status: criteria provided, multiple submitters, no conflicts (2 of 4 stars). 4 submissions from 4 submitters: Benign (1); Likely benign (3). Last evaluated 2025-08-28.

Conditions:
Familial thoracic aortic aneurysm and aortic dissection (TAAD). Also called: Thoracic aortic aneurysms and dissections. Identifiers: Orphanet 91387, MedGen C4707243, MONDO:0019625.
Marfan syndrome (MFS). Also called: MARFAN SYNDROME, TYPE I; Marfan syndrome type 1; Marfan's syndrome; Marfan syndrome, classic; FBN1-Related Marfan Syndrome. Identifiers: Orphanet 284963, Orphanet 558, MedGen C0024796, MONDO:0007947, OMIM 154700.

Allele frequency attached by ClinVar (database versions not stated): gnomAD 0.00001; TOPMed 0.00001.
gnomAD v4.1: 6 of 1,613,590 alleles (0.00037%); highest among the groups gnomAD compares: African/African-American, 0.0013%; no homozygotes.

Submissions (4):

Ambry Genetics
Classification: Likely benign for Familial thoracic aortic aneurysm and aortic dissection. Last evaluated: 2025-08-28. Review status: criteria provided, single submitter. Criteria: Ambry Variant Classification Scheme 2023. Collection method: clinical testing. Allele origin: germline.

Labcorp Genetics (formerly Invitae), Labcorp
Classification: Benign for Marfan syndrome; Familial thoracic aortic aneurysm and aortic dissection. Last evaluated: 2024-12-31. Review status: criteria provided, single submitter. Criteria: Invitae Variant Classification Sherloc (09022015). Collection method: clinical testing. Allele origin: germline.

All of Us Research Program, National Institutes of Health
Classification: Likely benign for Marfan syndrome. Last evaluated: 2024-02-22. Review status: criteria provided, single submitter. Criteria: ACMG Guidelines, 2015. Collection method: clinical testing. Allele origin: germline. Inheritance: Autosomal dominant inheritance. Observed: 1 variant allele, 1 heterozygote.
Comment: This study involves interpretation of variants in research participants for the purpose of population health screening. Participant phenotype was not available at the time of variant classification. Additional details can be found in publication PMID: 35346344, PMCID: PMC8962531

Color Diagnostics, LLC DBA Color Health
Classification: Likely benign for Familial thoracic aortic aneurysm and aortic dissection. Last evaluated: 2024-02-14. Review status: criteria provided, single submitter. Criteria: ACMG Guidelines, 2015. Collection method: clinical testing. Allele origin: germline.